The following is an entry in ClinVar:

NM_000038.6(APC):c.3342A>G (p.Arg1114=)

Gene: APC (APC regulator of Wnt signaling pathway; plus strand). Cytogenetic location: 5q22.2.
Variant type: single nucleotide variant.
Coding change: c.3342A>G on transcript NM_000038.6 (MANE Select); coding-DNA position 3342, A replaced by G.
Protein change: p.Arg1114=; no amino-acid change (arginine 1114 retained).
Molecular consequence: synonymous variant.
Genome position (GRCh38, 1-based): chr5:112,838,936, A>G. VCF-style: chr5-112838936-A-G. GRCh37 (hg19) VCF-style: chr5-112174633-A-G.
Other names: c.3342A>G, p.Arg1114= (NM_001127510.3, NM_001354895.2); c.3288A>G, p.Arg1096= (NM_001127511.3); c.3396A>G, p.Arg1132= (NM_001354896.2); c.3372A>G, p.Arg1124= (NM_001354897.2); c.3267A>G, p.Arg1089= (NM_001354898.2); c.3258A>G, p.Arg1086= (NM_001354899.2); c.3219A>G, p.Arg1073= (NM_001354900.2); c.3165A>G, p.Arg1055= (NM_001354901.2); and 5 more.
Identifiers: ClinVar variation 183897 (VCV000183897.20), dbSNP rs786201145, ClinGen allele CA008290.

ClinVar aggregate classification (germline): Benign/Likely benign. Review status: criteria provided, multiple submitters, no conflicts (2 of 4 stars). 7 submissions from 7 submitters: Benign (1); Likely benign (5). 1 of the submissions does not count toward it. Last evaluated 2024-10-09.

Conditions:
Classic or attenuated familial adenomatous polyposis. Identifiers: MedGen CN372698, MONDO:0021057.
Hereditary cancer-predisposing syndrome. Also called: Tumor predisposition; Hereditary Cancer Syndrome; Hereditary neoplastic syndrome; Neoplastic Syndromes, Hereditary. Identifiers: Orphanet 140162, MedGen C0027672, MeSH D009386, MONDO:0015356.
Familial adenomatous polyposis 1 (FAP1). Also called: FAMILIAL ADENOMATOUS POLYPOSIS 1, ATTENUATED; POLYPOSIS, ADENOMATOUS INTESTINAL. Identifiers: MedGen C2713442, MONDO:0021056, OMIM 175100. Disease mechanism: loss of function.
Endometrial carcinoma. Also called: Endometrial carcinoma, somatic. Identifiers: MedGen C0476089, MONDO:0002447, OMIM 608089, HP:0012114.

Allele frequency attached by ClinVar (database versions not stated): gnomAD exomes below 0.00001 and 0.00001; TOPMed below 0.00001.
gnomAD v4.1: 4 of 1,614,106 alleles (0.00025%); highest among the groups gnomAD compares: Non-Finnish European, 0.00034%; no homozygotes.

Submissions (7):

Labcorp Genetics (formerly Invitae), Labcorp
Classification: Likely benign for Familial adenomatous polyposis 1. Last evaluated: 2024-10-09. Review status: criteria provided, single submitter. Criteria: Invitae Variant Classification Sherloc (09022015). Collection method: clinical testing. Allele origin: germline.

Myriad Genetics, Inc.
Classification: Benign for Familial adenomatous polyposis 1. Last evaluated: 2024-03-18. Review status: criteria provided, single submitter. Criteria: Myriad Autosomal Dominant, Autosomal Recessive and X-Linked Classification Criteria (2023). Collection method: clinical testing. Allele origin: unknown.
Comment: This variant is considered benign. This variant is a silent/synonymous amino acid change and it is not expected to impact splicing.

All of Us Research Program, National Institutes of Health
Classification: Likely benign for Classic or attenuated familial adenomatous polyposis. Last evaluated: 2023-05-16. Review status: criteria provided, single submitter. Criteria: ACMG Guidelines, 2015. Collection method: clinical testing. Allele origin: germline. Inheritance: Autosomal dominant inheritance. Observed: 1 variant allele, 1 heterozygote.
Comment: This study involves interpretation of variants in research participants for the purpose of population health screening. Participant phenotype was not available at the time of variant classification. Additional details can be found in publication PMID: 35346344, PMCID: PMC8962531

Ambry Genetics
Classification: Likely benign for Hereditary cancer-predisposing syndrome. Last evaluated: 2019-09-23. Review status: criteria provided, single submitter. Criteria: Ambry Variant Classification Scheme 2023. Collection method: clinical testing. Allele origin: germline.

Color Diagnostics, LLC DBA Color Health
Classification: Likely benign for Hereditary cancer-predisposing syndrome. Last evaluated: 2019-02-06. Review status: criteria provided, single submitter. Criteria: ACMG Guidelines, 2015. Collection method: clinical testing. Allele origin: germline.

GeneDx
Classification: Likely benign. Last evaluated: 2017-08-27. Review status: criteria provided, single submitter. Criteria: GeneDx Variant Classification (06012015). Collection method: clinical testing. Allele origin: germline. Affected: yes.
Comment: This variant is considered likely benign or benign based on one or more of the following criteria: it is a conservative change, it occurs at a poorly conserved position in the protein, it is predicted to be benign by multiple in silico algorithms, and/or has population frequency not consistent with disease.

Department of Pathology and Laboratory Medicine, Sinai Health System
Classification: Uncertain significance for Endometrial carcinoma. Review status: no assertion criteria provided. Collection method: clinical testing. Allele origin: unknown. Affected: yes. Study: The Canadian Open Genetics Repository (COGR). Not counted in ClinVar's aggregate classification.
Comment: The APC p.Arg1114= variant was not identified in the literature nor was it identified in the GeneInsight-COGR, Cosmic, MutDB, LOVD 3.0, UMD-LSDB, or Zhejiang University, databases. The variant was identified in dbSNP (ID: rs786201145) as "With Uncertain significance allele", and in ClinVar database (classified as likely benign by Ambry Genetics and GeneDx; as uncertain significance by Invitae). The variant was identified in control databases in 1 of 245228 chromosomes at a frequency of 0.000004 (Genome Aggregation Database Feb 27, 2017). The variant was observed in the European population in 1 of 110948 chromosomes (freq: 0.000009), while the variant was not observed in the African, Other, Latino, Ashkenazi Jewish, East Asian, Finnish, and South Asian populations. The p.Arg1114= variant is not expected to have clinical significance because it does not result in a change of amino acid and is not located in a known consensus splice site. The variant occurs outside of the splicing consensus sequence and 2 of 4 in silico or computational prediction software programs (SpliceSiteFinder, MaxEntScan, NNSPLICE, GeneSplicer) predict a greater than 10% difference in splicing; this is not very predictive of pathogenicity. In summary, based on the above information the clinical significance of this variant cannot be determined with certainty at this time. This variant is classified as a variant of uncertain significance.